The following is an entry in ClinVar:

ClinVar aggregate classification (germline): Uncertain significance. Review status: criteria provided, single submitter (1 of 4 stars). 2 submissions from 2 submitters: Uncertain significance (1). 1 of the submissions does not count toward it. Last evaluated 2022-08-24.

Conditions:
Glaucoma 1, open angle, F (GLC1F). Identifiers: MedGen C1863926, OMIM 603383, MONDO:0011311.

Allele frequency attached by ClinVar (database versions not stated): gnomAD 0.00005 and 0.00006; gnomAD exomes 0.00005 and 0.00006; ExAC 0.00006; TOPMed 0.00007; ESP Exome Variant Server 0.00015.

Submissions (2):

Labcorp Genetics (formerly Invitae), Labcorp
Classification: Uncertain significance. Last evaluated: 2022-08-24. Review status: criteria provided, single submitter. Criteria: Invitae Variant Classification Sherloc (09022015). Collection method: clinical testing. Allele origin: germline.
Comment: This sequence change replaces valine, which is neutral and non-polar, with alanine, which is neutral and non-polar, at codon 349 of the ASB10 protein (p.Val349Ala). The frequency data for this variant in the population databases is considered unreliable, as metrics indicate poor data quality at this position in the gnomAD database. This variant has not been reported in the literature in individuals affected with ASB10-related conditions. ClinVar contains an entry for this variant (Variation ID: 99946). Algorithms developed to predict the effect of missense changes on protein structure and function output the following: SIFT: "Tolerated"; PolyPhen-2: "Benign"; Align-GVGD: "Class C0". The alanine amino acid residue is found in multiple mammalian species, which suggests that this missense change does not adversely affect protein function. In summary, the available evidence is currently insufficient to determine the role of this variant in disease. Therefore, it has been classified as a Variant of Uncertain Significance.

Casey Eye Institute Glaucoma Genetics Lab 
No classification provided. Condition: Glaucoma 1, open angle, F. Review status: no classification provided. Collection method: not provided. Allele origin: somatic. Not counted in ClinVar's aggregate classification.

NM_001142459.2(ASB10):c.1046T>C (p.Val349Ala)

Gene: ASB10 (ankyrin repeat and SOCS box containing 10; minus strand). Cytogenetic location: 7q36.1.
Variant type: single nucleotide variant.
Coding change: c.1046T>C on transcript NM_001142459.2 (MANE Select); coding-DNA position 1046, T replaced by C.
Protein change: p.Val349Ala; replaces valine 349 with alanine.
Molecular consequence: missense variant.
Genome position (GRCh38, 1-based): chr7:151,180,997, A>G on the plus strand (T>C on the coding strand, the complement: ASB10 is on the minus strand). VCF-style: chr7-151180997-A-G. GRCh37 (hg19) VCF-style: chr7-150878084-A-G.
Other names: c.1046T>C, p.Val349Ala (NM_001142460.1); c.1001T>C, p.Val334Ala (NM_080871.4); short protein forms V334A, V349A.
Identifiers: ClinVar variation 99946 (VCV000099946.5), dbSNP rs104886483, ClinGen allele CA150470.